The following is an entry in ClinVar:

NM_000016.6(ACADM):c.107_113dup (p.Ser38delinsArgIleTer)

Gene: ACADM (acyl-CoA dehydrogenase medium chain; plus strand). Cytogenetic location: 1p31.1.
Variant type: Duplication.
Coding change: c.107_113dup on transcript NM_000016.6 (MANE Select); coding-DNA positions 107 to 113, 7 bases duplicated (GATTTAG; older notation c.107_113dupGATTTAG).
Protein change: p.Ser38delinsArgIleTer.
Molecular consequence: nonsense. On other transcripts: intron variant (2).
Genome position (GRCh38, 1-based): chr1:75,728,477-75,728,483, GATTTAG duplicated; duplicating any 7 consecutive bases within chr1:75,728,473-75,728,483 gives the same sequence; the c. name uses the placement nearest the transcript's 3' end. VCF-style (leftmost placement, unchanged base first): chr1-75728472-A-ATTAGGAT. GRCh37 (hg19) VCF-style: chr1-76194157-A-ATTAGGAT.
Other names: c.119_125dup, p.Ser42delinsArgIleTer (NM_001127328.3); c.107_113dup, p.Ser38delinsArgIleTer (NM_001286043.2); c.10+3660_10+3666dup (NM_001286042.2); c.-268+3660_-268+3666dup (NM_001286044.2); c.107_113dupGATTTAG (NM_000016.5).
Identifiers: ClinVar variation 226104 (VCV000226104.12), dbSNP rs875989875, ClinGen allele CA10576218.

ClinVar aggregate classification (germline): Pathogenic/Likely pathogenic. Review status: criteria provided, multiple submitters, no conflicts (2 of 4 stars). 3 submissions from 3 submitters: Pathogenic (1); Likely pathogenic (1). 1 of the submissions does not count toward it. Last evaluated 2024-08-28.

Conditions:
Medium-chain acyl-coenzyme A dehydrogenase deficiency (ACADMD). Also called: MCAD Deficiency; ACADM DEFICIENCY; MCADD; Medium chain acyl-CoA dehydrogenase deficiency; CARNITINE DEFICIENCY SECONDARY TO MEDIUM-CHAIN ACYL-CoA DEHYDROGENASE DEFICIENCY; MCADH DEFICIENCY. Identifiers: Orphanet 42, MedGen C0220710, MONDO:0008721, OMIM 201450.

Submissions (3):

Natera, Inc.
Classification: Likely pathogenic for Medium Chain Acyl-CoA Dehydrogenase Deficiency. Last evaluated: 2024-08-28. Review status: criteria provided, single submitter. Criteria: Natera Variant Classification Schema (03/2026). Collection method: clinical testing. Allele origin: germline.
Comment: The c.107_113dupGATTTAG variant in ACADM is a frameshift variant predicted to shift the reading frame beginning at codon 38 and leads to a stop codon 3 codons downstream. This variant is expected to result in nonsense mediated decay, truncation, or a dysfunctional protein product. This variant is rare in the general population with a frequency below the threshold expected for the associated phenotype(s). Given the available evidence, this variant is classified as Likely Pathogenic.

Labcorp Genetics (formerly Invitae), Labcorp
Classification: Pathogenic for Medium-chain acyl-coenzyme A dehydrogenase deficiency. Last evaluated: 2020-08-25. Review status: criteria provided, single submitter. Criteria: Invitae Variant Classification Sherloc (09022015). Collection method: clinical testing. Allele origin: germline.
Comment: For these reasons, this variant has been classified as Pathogenic. Loss-of-function variants in ACADM are known to be pathogenic (PMID: 16121256, 20434380). This variant has not been reported in the literature in individuals with ACADM-related conditions. ClinVar contains an entry for this variant (Variation ID: 226104). This variant is not present in population databases (ExAC no frequency). This sequence change creates a premature translational stop signal (p.Ser38Argfs*3) in the ACADM gene. It is expected to result in an absent or disrupted protein product.

Counsyl
Classification: Likely pathogenic for Medium-chain acyl-coenzyme A dehydrogenase deficiency. Last evaluated: 2016-06-01. Review status: no assertion criteria provided. Collection method: clinical testing. Allele origin: unknown. Not counted in ClinVar's aggregate classification.

Literature cited by the submitters: PubMed 16121256 (cited by Labcorp Genetics (formerly Invitae), Labcorp); PubMed 20434380 (cited by Labcorp Genetics (formerly Invitae), Labcorp).